The following is an entry in ClinVar:

NM_004946.3(DOCK2):c.5374G>C (p.Asp1792His)

Gene: DOCK2 (dedicator of cytokinesis 2; plus strand). Cytogenetic location: 5q35.1.
Variant type: single nucleotide variant.
Coding change: c.5374G>C on transcript NM_004946.3 (MANE Select); coding-DNA position 5374, G replaced by C.
Protein change: p.Asp1792His; replaces aspartic acid 1792 with histidine.
Molecular consequence: missense variant. On other transcripts: non-coding transcript variant (1).
Genome position (GRCh38, 1-based): chr5:170,081,928, G>C. VCF-style: chr5-170081928-G-C. GRCh37 (hg19) VCF-style: chr5-169508932-G-C.
Other names: c.5374G>C (NM_004946.2); short protein forms D1792H.
Identifiers: ClinVar variation 1039440 (VCV001039440.7), dbSNP rs1408260675, ClinGen allele CA362119248.

ClinVar aggregate classification (germline): Uncertain significance. Review status: criteria provided, multiple submitters, no conflicts (2 of 4 stars). 2 submissions from 2 submitters: Uncertain significance (2). Last evaluated 2025-01-16.

Conditions:
DOCK2 deficiency. Also called: Immunodeficiency 40. Identifiers: Orphanet 447737, MedGen C4225328, MONDO:0014637, OMIM 616433.
Inborn genetic diseases. Identifiers: MedGen C0950123, MeSH D030342.

Allele frequency attached by ClinVar (database versions not stated): gnomAD exomes below 0.00001 and 0.00004; gnomAD 0.00001; TOPMed 0.00001.
gnomAD v4.1: 52 of 1,614,016 alleles (0.0032%); highest among the groups gnomAD compares: Non-Finnish European, 0.0044%; no homozygotes.

Submissions (2):

Ambry Genetics
Classification: Uncertain significance for Inborn genetic diseases. Last evaluated: 2025-01-16. Review status: criteria provided, single submitter. Criteria: Ambry Variant Classification Scheme 2023. Collection method: clinical testing. Allele origin: germline.

Labcorp Genetics (formerly Invitae), Labcorp
Classification: Uncertain significance for DOCK2 deficiency. Last evaluated: 2021-08-26. Review status: criteria provided, single submitter. Criteria: Invitae Variant Classification Sherloc (09022015). Collection method: clinical testing. Allele origin: germline.
Comment: This sequence change replaces aspartic acid with histidine at codon 1792 of the DOCK2 protein (p.Asp1792His). The aspartic acid residue is weakly conserved and there is a moderate physicochemical difference between aspartic acid and histidine. This variant is not present in population databases (ExAC no frequency). This variant has not been reported in the literature in individuals affected with DOCK2-related conditions. Algorithms developed to predict the effect of missense changes on protein structure and function are either unavailable or do not agree on the potential impact of this missense change (SIFT: "Deleterious"; PolyPhen-2: "Benign"; Align-GVGD: "Class C0"). In summary, the available evidence is currently insufficient to determine the role of this variant in disease. Therefore, it has been classified as a Variant of Uncertain Significance.